The following is an entry in ClinVar:

NM_016203.4(PRKAG2):c.395A>G (p.Lys132Arg)

Gene: PRKAG2 (protein kinase AMP-activated non-catalytic subunit gamma 2; minus strand). Cytogenetic location: 7q36.1.
Variant type: single nucleotide variant.
Coding change: c.395A>G on transcript NM_016203.4 (MANE Select); coding-DNA position 395, A replaced by G.
Protein change: p.Lys132Arg; replaces lysine 132 with arginine.
Molecular consequence: missense variant.
Genome position (GRCh38, 1-based): chr7:151,781,223, T>C on the plus strand (A>G on the coding strand, the complement: PRKAG2 is on the minus strand). VCF-style: chr7-151781223-T-C. GRCh37 (hg19) VCF-style: chr7-151478309-T-C.
Other names: p.Lys132Arg; c.263A>G, p.Lys88Arg (NM_001040633.2); short protein forms K132R, K88R.
Identifiers: ClinVar variation 359347 (VCV000359347.23), dbSNP rs779753891, ClinGen allele CA056993.

ClinVar aggregate classification (germline): Uncertain significance. Review status: criteria provided, multiple submitters, no conflicts (2 of 4 stars). 6 submissions from 6 submitters: Uncertain significance (6). Last evaluated 2025-11-16.

Conditions:
Cardiomyopathy (CMYO). Also called: Cardiomyopathies. Identifiers: Orphanet 167848, MedGen C0878544, MONDO:0004994, HP:0001638. Inheritance: Various modes of inheritance.
Lethal congenital glycogen storage disease of heart. Also called: GLYCOGEN STORAGE DISEASE OF HEART; PHOSPHORYLASE KINASE DEFICIENCY OF HEART. Identifiers: Orphanet 439854, MedGen C1849813, MONDO:0009867, OMIM 261740.
Wolff-Parkinson-White pattern. Also called: WPW SYNDROME; Auriculoventricular accessory pathway syndrome; False bundle branch block syndrome; Anomalous ventricular excitation syndrome. Identifiers: MedGen C0043202, MONDO:0008685, OMIM 194200, HP:0001716.
Hypertrophic cardiomyopathy 6. Identifiers: MedGen C1833236, MONDO:0010946, OMIM 600858.
Cardiovascular phenotype. Identifiers: MedGen CN230736.
Hypertrophic cardiomyopathy. Also called: HYPERTROPHIC MYOCARDIOPATHY. Identifiers: Orphanet 217569, MedGen C0007194, MeSH D002312, MONDO:0005045, HP:0001639.

Allele frequency attached by ClinVar (database versions not stated): ExAC 0.00001; gnomAD 0.00001; gnomAD exomes 0.00001; TOPMed 0.00003.
gnomAD v4.1: 18 of 1,613,854 alleles (0.0011%); highest among the groups gnomAD compares: Non-Finnish European, 0.0014%; no homozygotes.

Submissions (6):

Mayo Clinic Laboratories, Mayo Clinic
Classification: Uncertain significance. Last evaluated: 2025-11-16. Review status: criteria provided, single submitter. Criteria: ACMG Guidelines, 2015. Collection method: clinical testing. Allele origin: germline. Observed: 1 variant allele.
Comment: PM2_supporting

Color Diagnostics, LLC DBA Color Health
Classification: Uncertain significance for Cardiomyopathy. Last evaluated: 2025-10-21. Review status: criteria provided, single submitter. Criteria: ACMG Guidelines, 2015. Collection method: clinical testing. Allele origin: germline.
Comment: This missense variant replaces lysine with arginine at codon 132 of the PRKAG2 protein. Computational prediction suggests that this variant may not impact protein structure and function. To our knowledge, functional studies have not been reported for this variant. This variant has been reported in an individual affected with hypertrophic cardiomyopathy (PMID: 29875424) and in an individual affected with dilated cardiomyopathy (PMID: 30847666). This variant has been identified in 18/1613854 chromosomes in the general population by the Genome Aggregation Database (gnomAD). The available evidence is insufficient to determine the role of this variant in disease conclusively. Therefore, this variant is classified as a Variant of Uncertain Significance.

Labcorp Genetics (formerly Invitae), Labcorp
Classification: Uncertain significance for Lethal congenital glycogen storage disease of heart. Last evaluated: 2024-09-06. Review status: criteria provided, single submitter. Criteria: Invitae Variant Classification Sherloc (09022015). Collection method: clinical testing. Allele origin: germline.
Comment: This sequence change replaces lysine, which is basic and polar, with arginine, which is basic and polar, at codon 132 of the PRKAG2 protein (p.Lys132Arg). This variant is present in population databases (rs779753891, gnomAD 0.002%). This missense change has been observed in individual(s) with clinical features of PRKAG2-related conditions (internal data). ClinVar contains an entry for this variant (Variation ID: 359347). Invitae Evidence Modeling of protein sequence and biophysical properties (such as structural, functional, and spatial information, amino acid conservation, physicochemical variation, residue mobility, and thermodynamic stability) indicates that this missense variant is not expected to disrupt PRKAG2 protein function with a negative predictive value of 95%. In summary, the available evidence is currently insufficient to determine the role of this variant in disease. Therefore, it has been classified as a Variant of Uncertain Significance.

All of Us Research Program, National Institutes of Health
Classification: Uncertain significance for Hypertrophic cardiomyopathy. Last evaluated: 2023-11-30. Review status: criteria provided, single submitter. Criteria: ACMG Guidelines, 2015. Collection method: clinical testing. Allele origin: germline. Inheritance: Autosomal dominant inheritance. Observed: 6 variant alleles, 6 heterozygotes.
Comment: This missense variant replaces lysine with arginine at codon 132 of the PRKAG2 protein. Computational prediction suggests that this variant may not impact protein structure and function (internally defined REVEL score threshold <= 0.5, PMID: 27666373). To our knowledge, functional studies have not been reported for this variant. This variant has been reported in an individual affected with hypertrophic cardiomyopathy (PMID: 29875424) and in an individual affected with dilated cardiomyopathy (PMID: 30847666). This variant has been identified in 2/251290 chromosomes in the general population by the Genome Aggregation Database (gnomAD). The available evidence is insufficient to determine the role of this variant in disease conclusively. Therefore, this variant is classified as a Variant of Uncertain Significance.

This study involves interpretation of variants in research participants for the purpose of population health screening. Participant phenotype was not available at the time of variant classification. Additional details can be found in publication PMID: 35346344, PMCID: PMC8962531

Ambry Genetics
Classification: Uncertain significance for Cardiovascular phenotype. Last evaluated: 2023-09-25. Review status: criteria provided, single submitter. Criteria: Ambry Variant Classification Scheme 2023. Collection method: clinical testing. Allele origin: germline.
Comment: The p.K132R variant (also known as c.395A>G), located in coding exon 3 of the PRKAG2 gene, results from an A to G substitution at nucleotide position 395. The lysine at codon 132 is replaced by arginine, an amino acid with highly similar properties. This variant was detected in cardiomyopathy genetic testing cohorts; however, clinical details were limited, and additional cardiac variants were detected in some cases (van Lint FHM et al. Neth Heart J, 2019 Jun;27:304-309; Mazzarotto F et al. Genet Med, 2019 02;21:284-292). This amino acid position is highly conserved in available vertebrate species. In addition, this alteration is predicted to be tolerated by in silico analysis. Since supporting evidence is limited at this time, the clinical significance of this alteration remains unclear.

Fulgent Genetics
Classification: Uncertain significance for Wolff-Parkinson-White pattern; Lethal congenital glycogen storage disease of heart; Hypertrophic cardiomyopathy 6. Last evaluated: 2021-10-18. Review status: criteria provided, single submitter. Criteria: ACMG Guidelines, 2015. Collection method: clinical testing. Allele origin: unknown.

Literature cited by the submitters: PubMed 29875424 (cited by 3 submitters); PubMed 30847666 (cited by 3 submitters).